The following is an entry in ClinVar:

NM_005359.6(SMAD4):c.820G>A (p.Ala274Thr)

Gene: SMAD4 (SMAD family member 4; plus strand). Cytogenetic location: 18q21.2.
Variant type: single nucleotide variant.
Coding change: c.820G>A on transcript NM_005359.6 (MANE Select); coding-DNA position 820, G replaced by A.
Protein change: p.Ala274Thr; replaces alanine 274 with threonine.
Molecular consequence: missense variant.
Genome position (GRCh38, 1-based): chr18:51,058,372, G>A. VCF-style: chr18-51058372-G-A. GRCh37 (hg19) VCF-style: chr18-48584742-G-A.
Other names: short protein forms A274T.
Identifiers: ClinVar variation 827512 (VCV000827512.11), dbSNP rs751860447, ClinGen allele CA8965909.

ClinVar aggregate classification (germline): Uncertain significance. Review status: criteria provided, multiple submitters, no conflicts (2 of 4 stars). 3 submissions from 3 submitters: Uncertain significance (3). Last evaluated 2024-06-12.

Conditions:
Juvenile polyposis syndrome (JPS). Identifiers: Orphanet 2929, MedGen C0345893, MONDO:0017380, OMIM 174900.
Hereditary cancer-predisposing syndrome. Also called: Neoplastic Syndromes, Hereditary; Hereditary Cancer Syndrome; Hereditary neoplastic syndrome; Tumor predisposition. Identifiers: Orphanet 140162, MedGen C0027672, MeSH D009386, MONDO:0015356.
Familial thoracic aortic aneurysm and aortic dissection (TAAD). Also called: Thoracic aortic aneurysms and dissections. Identifiers: Orphanet 91387, MedGen C4707243, MONDO:0019625.

Allele frequency attached by ClinVar (database versions not stated): gnomAD exomes below 0.00001 and 0.00001; ExAC 0.00001.
gnomAD v4.1: 8 of 1,614,030 alleles (0.0005%); highest among the groups gnomAD compares: South Asian, 0.0088%; no homozygotes.

Submissions (3):

Labcorp Genetics (formerly Invitae), Labcorp
Classification: Uncertain significance for Juvenile polyposis syndrome. Last evaluated: 2024-06-12. Review status: criteria provided, single submitter. Criteria: Invitae Variant Classification Sherloc (09022015). Collection method: clinical testing. Allele origin: germline.
Comment: This sequence change replaces alanine, which is neutral and non-polar, with threonine, which is neutral and polar, at codon 274 of the SMAD4 protein (p.Ala274Thr). This variant is present in population databases (rs751860447, gnomAD 0.003%). This variant has not been reported in the literature in individuals affected with SMAD4-related conditions. ClinVar contains an entry for this variant (Variation ID: 827512). Advanced modeling of protein sequence and biophysical properties (such as structural, functional, and spatial information, amino acid conservation, physicochemical variation, residue mobility, and thermodynamic stability) performed at Invitae indicates that this missense variant is not expected to disrupt SMAD4 protein function with a negative predictive value of 95%. In summary, the available evidence is currently insufficient to determine the role of this variant in disease. Therefore, it has been classified as a Variant of Uncertain Significance.

Color Diagnostics, LLC DBA Color Health
Classification: Uncertain significance for Hereditary cancer-predisposing syndrome. Last evaluated: 2023-12-04. Review status: criteria provided, single submitter. Criteria: ACMG Guidelines, 2015. Collection method: clinical testing. Allele origin: germline.
Comment: This missense variant replaces alanine with threonine at codon 274 of the SMAD4 protein. Computational prediction tools and conservation analyses are inconclusive regarding the impact of this variant on the protein function. Computational splicing tools suggest that this variant may not impact RNA splicing. To our knowledge, functional assays have not been performed for this variant nor has this variant been reported in individuals affected with hereditary cancer in the literature. This variant has been identified in 1/251486 chromosomes in the general population by the Genome Aggregation Database (gnomAD). Available evidence is insufficient to determine the role of this variant in disease conclusively. Therefore, this variant is classified as a Variant of Uncertain Significance.

Ambry Genetics
Classification: Uncertain significance for Hereditary cancer-predisposing syndrome; Familial thoracic aortic aneurysm and aortic dissection. Last evaluated: 2021-12-16. Review status: criteria provided, single submitter. Criteria: Ambry Variant Classification Scheme 2023. Collection method: clinical testing. Allele origin: germline.
Comment: The p.A274T variant (also known as c.820G>A), located in coding exon 6 of the SMAD4 gene, results from a G to A substitution at nucleotide position 820. The alanine at codon 274 is replaced by threonine, an amino acid with similar properties. This amino acid position is well conserved in available vertebrate species. In addition, this alteration is predicted to be tolerated by in silico analysis. Since supporting evidence is limited at this time, the clinical significance of this alteration remains unclear.